The following is an entry in ClinVar:

ClinVar aggregate classification (germline): Likely benign. Review status: criteria provided, single submitter (1 of 4 stars). 2 submissions from 2 submitters: Likely benign (1). 1 of the submissions does not count toward it. Last evaluated 2024-06-12.

Conditions:
SPRY4-related disorder. Also called: SPRY4-related condition.

Allele frequency attached by ClinVar (database versions not stated): gnomAD 0.00004; gnomAD exomes 0.00004; TOPMed 0.00005; ExAC 0.00009.
gnomAD v4.1: 65 of 1,612,270 alleles (0.004%); highest among the groups gnomAD compares: Middle Eastern, 0.082%; no homozygotes.

Submissions (2):

Labcorp Genetics (formerly Invitae), Labcorp
Classification: Likely benign. Last evaluated: 2024-06-12. Review status: criteria provided, single submitter. Criteria: Invitae Variant Classification Sherloc (09022015). Collection method: clinical testing. Allele origin: germline.

PreventionGenetics, part of Exact Sciences
Classification: Likely benign for SPRY4-related condition. Last evaluated: 2020-09-25. Review status: no assertion criteria provided. Collection method: clinical testing. Allele origin: germline. Not counted in ClinVar's aggregate classification.
Comment: This variant is classified as likely benign based on ACMG/AMP sequence variant interpretation guidelines (Richards et al. 2015 PMID: 25741868, with internal and published modifications).

NM_001127496.3(SPRY4):c.186C>T (p.Thr62=)

Gene: SPRY4 (sprouty RTK signaling antagonist 4; minus strand). Cytogenetic location: 5q31.3.
Variant type: single nucleotide variant.
Coding change: c.186C>T on transcript NM_001127496.3 (MANE Select); coding-DNA position 186, C replaced by T.
Protein change: p.Thr62=; no amino-acid change (threonine 62 retained).
Molecular consequence: synonymous variant.
Genome position (GRCh38, 1-based): chr5:142,314,923, G>A on the plus strand (C>T on the coding strand, the complement: SPRY4 is on the minus strand). VCF-style: chr5-142314923-G-A. GRCh37 (hg19) VCF-style: chr5-141694488-G-A.
Other names: c.186C>T, p.Thr62= (NM_001293289.3, NM_001293290.3); c.255C>T, p.Thr85= (NM_030964.5).
Identifiers: ClinVar variation 3032883 (VCV003032883.4), dbSNP rs755664981, ClinGen allele CA3485609.